The following is an entry in ClinVar:

ClinVar aggregate classification (germline): Uncertain significance (1 of 4 stars; one submission).

Submission:

Labcorp Genetics (formerly Invitae), Labcorp
Classification: Uncertain significance. Last evaluated: 2024-05-02. Review status: criteria provided, single submitter. Criteria: Invitae Variant Classification Sherloc (09022015). Collection method: clinical testing. Allele origin: germline.
Comment: This sequence change replaces histidine, which is basic and polar, with proline, which is neutral and non-polar, at codon 87 of the TRMT10A protein (p.His87Pro). This variant is not present in population databases (gnomAD no frequency). This variant has not been reported in the literature in individuals affected with TRMT10A-related conditions. Advanced modeling of protein sequence and biophysical properties (such as structural, functional, and spatial information, amino acid conservation, physicochemical variation, residue mobility, and thermodynamic stability) performed at Invitae indicates that this missense variant is not expected to disrupt TRMT10A protein function with a negative predictive value of 80%. In summary, the available evidence is currently insufficient to determine the role of this variant in disease. Therefore, it has been classified as a Variant of Uncertain Significance.

NM_001134665.3(TRMT10A):c.260A>C (p.His87Pro)

Gene: TRMT10A (tRNA methyltransferase 10A; minus strand). Cytogenetic location: 4q23.
Variant type: single nucleotide variant.
Coding change: c.260A>C on transcript NM_001134665.3 (MANE Select); coding-DNA position 260, A replaced by C.
Protein change: p.His87Pro; replaces histidine 87 with proline.
Molecular consequence: missense variant.
Genome position (GRCh38, 1-based): chr4:99,558,137, T>G on the plus strand (A>C on the coding strand, the complement: TRMT10A is on the minus strand). VCF-style: chr4-99558137-T-G. GRCh37 (hg19) VCF-style: chr4-100479294-T-G.
Other names: c.260A>C, p.His87Pro (NM_001134666.3, NM_001375880.1, NM_001375881.1 and 2 more transcripts); short protein forms H87P.
Identifiers: ClinVar variation 3651882 (VCV003651882.2).
Genomic context (GRCh38, chr4:99,558,137, plus strand): 5'-CAGTCAATAATAAGGCGAAGGGTGCTATGAACAACATCTCTTCGAACACGTTTTCTGTCA[T>G]GTCCATCTGAGTTTGGTTCCATTTGACATTGTCGCTCTAATTTTTTCCTCTTGCGTTTTT-3'
Protein context (NP_001128137.1, residues 77-97): QCQMEPNSDG[His87Pro]DRKRVRRDVV